The following is an entry in ClinVar:

ClinVar aggregate classification (germline): Benign. Review status: criteria provided, multiple submitters, no conflicts (2 of 4 stars). 4 submissions from 2 submitters: Benign (4). Last evaluated 2018-01-13.

Conditions:
Endocardial fibroelastosis (EFE). Identifiers: Orphanet 2022, MedGen C0014117, MONDO:0009169, OMIM 226000, HP:0001706.
3-Methylglutaconic aciduria type 2 (BTHS). Also called: CARDIOSKELETAL MYOPATHY WITH NEUTROPENIA AND ABNORMAL MITOCHONDRIA; Barth syndrome. Identifiers: Orphanet 111, MedGen C0574083, MONDO:0010543, OMIM 302060.
Primary dilated cardiomyopathy (DCM). Also called: Dilated Cardiomyopathy. Identifiers: Orphanet 217604, MedGen C0007193, MeSH D002311, MONDO:0005021, HP:0001644. Inheritance: Various modes of inheritance.

Allele frequency attached by ClinVar (database versions not stated): TOPMed 0.88016.

Submissions (4):

Illumina Laboratory Services, Illumina
Classification: Benign for 3-Methylglutaconic aciduria type 2. Last evaluated: 2018-01-13. Review status: criteria provided, single submitter. Criteria: ICSL Variant Classification Criteria 13 December 2019. Collection method: clinical testing. Allele origin: germline.
Comment: This variant was observed in the ICSL laboratory as part of a predisposition screen in an ostensibly healthy population. It had not been previously curated by ICSL or reported in the Human Gene Mutation Database (HGMD: prior to June 1st, 2018), and was therefore a candidate for classification through an automated scoring system. Utilizing variant allele frequency, disease prevalence and penetrance estimates, and inheritance mode, an automated score was calculated to assess if this variant is too frequent to cause the disease. Based on the score and internal cut-off values, a variant classified as benign is not then subjected to further curation. The score for this variant resulted in a classification of benign for this disease.

Illumina Laboratory Services, Illumina
Classification: Benign for Endocardial fibroelastosis. Last evaluated: 2018-01-13. Review status: criteria provided, single submitter. Criteria: ICSL Variant Classification Criteria 13 December 2019. Collection method: clinical testing. Allele origin: germline.
Comment: the same text as in the submission from Illumina Laboratory Services, Illumina above.

Illumina Laboratory Services, Illumina
Classification: Benign for Primary dilated cardiomyopathy. Last evaluated: 2018-01-13. Review status: criteria provided, single submitter. Criteria: ICSL Variant Classification Criteria 13 December 2019. Collection method: clinical testing. Allele origin: germline.
Comment: the same text as in the submission from Illumina Laboratory Services, Illumina above.

Breakthrough Genomics
Classification: Benign. Review status: criteria provided, single submitter. Criteria: ACMG Guidelines, 2015. Collection method: not provided. Allele origin: germline. Inheritance: X-linked inheritance. Affected: yes.

NM_000116.5(TAFAZZIN):c.*470=

Gene: TAFAZZIN (tafazzin, phospholipid-lysophospholipid transacylase; plus strand). Cytogenetic location: Xq28.
Variant type: single nucleotide variant.
Coding change: c.*470= on transcript NM_000116.5 (MANE Select); 470 bases downstream of the stop codon, no change from the reference sequence.
Molecular consequence: no sequence alteration. On other transcripts: non-coding transcript variant (1).
Genome position: GRCh38 VCF-style: chrX-154421474-C-C. GRCh37 (hg19) VCF-style: chrX-153649813-G-C.
Other names: c.*470= (NM_001303465.2, NM_181311.4, NM_181312.4 and 1 more transcripts).
Identifiers: ClinVar variation 368091 (VCV000368091.7), dbSNP rs743547.